The following is an entry in ClinVar:

ClinVar aggregate classification (germline): Uncertain significance. Review status: criteria provided, multiple submitters, no conflicts (2 of 4 stars). 3 submissions from 3 submitters: Uncertain significance (3). Last evaluated 2023-04-11.

Conditions:
Developmental and epileptic encephalopathy, 18 (DEE18). Also called: Early infantile epileptic encephalopathy 18. Identifiers: Orphanet 369894, MedGen C3809624, MONDO:0014201, OMIM 615476.

Allele frequency attached by ClinVar (database versions not stated): gnomAD exomes below 0.00001 and 0.00001; TOPMed below 0.00001; gnomAD 0.00001.
gnomAD v4.1: 4 of 1,613,956 alleles (0.00025%); highest among the groups gnomAD compares: Non-Finnish European, 0.00034%; no homozygotes.

Submissions (3):

Genome-Nilou Lab
Classification: Uncertain significance for Developmental and epileptic encephalopathy, 18. Last evaluated: 2023-04-11. Review status: criteria provided, single submitter. Criteria: ACMG Guidelines, 2015. Collection method: clinical testing. Allele origin: germline. Affected: no.

Labcorp Genetics (formerly Invitae), Labcorp
Classification: Uncertain significance. Last evaluated: 2022-06-27. Review status: criteria provided, single submitter. Criteria: Invitae Variant Classification Sherloc (09022015). Collection method: clinical testing. Allele origin: germline.
Comment: In summary, the available evidence is currently insufficient to determine the role of this variant in disease. Therefore, it has been classified as a Variant of Uncertain Significance. This sequence change replaces proline, which is neutral and non-polar, with leucine, which is neutral and non-polar, at codon 3044 of the SZT2 protein (p.Pro3044Leu). This variant is present in population databases (no rsID available, gnomAD 0.0009%). This variant has not been reported in the literature in individuals affected with SZT2-related conditions. ClinVar contains an entry for this variant (Variation ID: 1314265). Algorithms developed to predict the effect of missense changes on protein structure and function are either unavailable or do not agree on the potential impact of this missense change (SIFT: "Deleterious"; PolyPhen-2: "Benign"; Align-GVGD: "Class C15"). Algorithms developed to predict the effect of sequence changes on RNA splicing suggest that this variant may create or strengthen a splice site.

GeneDx
Classification: Uncertain significance. Last evaluated: 2021-06-25. Review status: criteria provided, single submitter. Criteria: GeneDx Variant Classification Process June 2021. Collection method: clinical testing. Allele origin: germline. Affected: yes.
Comment: Not observed at a significant frequency in large population cohorts (Lek et al., 2016); In silico analysis supports that this missense variant does not alter protein structure/function; Has not been previously published as pathogenic or benign to our knowledge

NM_001365999.1(SZT2):c.9302C>T (p.Pro3101Leu)

Gene: SZT2 (SZT2 subunit of KICSTOR complex; plus strand). Cytogenetic location: 1p34.2.
Variant type: single nucleotide variant.
Coding change: c.9302C>T on transcript NM_001365999.1 (MANE Select); coding-DNA position 9302, C replaced by T.
Protein change: p.Pro3101Leu; replaces proline 3101 with leucine.
Molecular consequence: missense variant.
Genome position (GRCh38, 1-based): chr1:43,447,560, C>T. VCF-style: chr1-43447560-C-T. GRCh37 (hg19) VCF-style: chr1-43913231-C-T.
Other names: c.9131C>T, p.Pro3044Leu (NM_015284.4); short protein forms P3044L, P3101L.
Identifiers: ClinVar variation 1314265 (VCV001314265.10), dbSNP rs1361316609, ClinGen allele CA340042710.
Genomic context (GRCh38, chr1:43,447,560, plus strand): 5'-TGTCCTAGGCTTAGTGTCTGCTGTCTCCTGTTACTTATCCCTCAGGGACATTGGAGCTCC[C>T]CACACCACTCATTGCTGCCCACCAGCTATACAACTACGTGGCTGATCACGCCAGCTCTTA-3'
Protein context (NP_001352928.1, residues 3091-3111): NHIYQGTLEL[Pro3101Leu]TPLIAAHQLY